The following is an entry in ClinVar:

ClinVar aggregate classification (germline): Uncertain significance (1 of 4 stars; one submission).

Conditions:
Hypertrophic cardiomyopathy. Also called: HYPERTROPHIC MYOCARDIOPATHY. Identifiers: Orphanet 217569, MedGen C0007194, MeSH D002312, MONDO:0005045, HP:0001639.

Submission:

Labcorp Genetics (formerly Invitae), Labcorp
Classification: Uncertain significance for Hypertrophic cardiomyopathy. Last evaluated: 2022-01-12. Review status: criteria provided, single submitter. Criteria: Invitae Variant Classification Sherloc (09022015). Collection method: clinical testing. Allele origin: germline.
Comment: This sequence change replaces threonine, which is neutral and polar, with asparagine, which is neutral and polar, at codon 59 of the JPH2 protein (p.Thr59Asn). This variant is not present in population databases (gnomAD no frequency). This variant has not been reported in the literature in individuals affected with JPH2-related conditions. Algorithms developed to predict the effect of missense changes on protein structure and function are either unavailable or do not agree on the potential impact of this missense change (SIFT: "Tolerated"; PolyPhen-2: "Probably Damaging"; Align-GVGD: "Class C0"). In summary, the available evidence is currently insufficient to determine the role of this variant in disease. Therefore, it has been classified as a Variant of Uncertain Significance.

NM_020433.5(JPH2):c.176C>A (p.Thr59Asn)

Gene: JPH2 (junctophilin 2; minus strand). Cytogenetic location: 20q13.12.
Variant type: single nucleotide variant.
Coding change: c.176C>A on transcript NM_020433.5 (MANE Select); coding-DNA position 176, C replaced by A.
Protein change: p.Thr59Asn; replaces threonine 59 with asparagine.
Molecular consequence: missense variant.
Genome position (GRCh38, 1-based): chr20:44,186,530, G>T on the plus strand (C>A on the coding strand, the complement: JPH2 is on the minus strand). VCF-style: chr20-44186530-G-T. GRCh37 (hg19) VCF-style: chr20-42815170-G-T.
Other names: c.176C>A, p.Thr59Asn (NM_175913.4); short protein forms T59N.
Identifiers: ClinVar variation 1928264 (VCV001928264.5), dbSNP rs1171742766, ClinGen allele CA409095367.